The following is an entry in ClinVar:

ClinVar aggregate classification (germline): Likely benign. Review status: criteria provided, multiple submitters, no conflicts (2 of 4 stars). 5 submissions from 5 submitters: Likely benign (3). 2 of the submissions do not count toward it. Last evaluated 2026-01-19.

Conditions:
Retinal dystrophy. Also called: Inherited retinal dystrophy. Identifiers: Orphanet 71862, MedGen C0854723, MeSH D058499, MONDO:0019118, HP:0000556.
USH2A-related disorder. Also called: USH2A-related condition; USH2A-related disorders. Identifiers: MedGen CN239332.
Usher syndrome type 2A. Also called: USHER SYNDROME, TYPE IIA; RETINAL DISEASE IN USHER SYNDROME TYPE IIA, MODIFIER OF. Identifiers: Orphanet 231178, Orphanet 886, MedGen C1848634, MONDO:0010169, OMIM 276901.

Allele frequency attached by ClinVar (database versions not stated): ExAC 0.00011; ESP Exome Variant Server 0.00015; 1000 Genomes Project 30x 0.00016; 1000 Genomes Project 0.00020; TOPMed 0.00024.
gnomAD v4.1: 82 of 1,613,662 alleles (0.0051%); highest among the groups gnomAD compares: African/African-American, 0.065%; no homozygotes.

Submissions (5):

Labcorp Genetics (formerly Invitae), Labcorp
Classification: Likely benign. Last evaluated: 2026-01-19. Review status: criteria provided, single submitter. Criteria: Invitae Variant Classification Sherloc (09022015). Collection method: clinical testing. Allele origin: germline.

Dept Of Ophthalmology, Nagoya University
Classification: Likely benign for Retinal dystrophy. Last evaluated: 2023-10-01. Review status: criteria provided, single submitter. Criteria: Submitter's publication. Collection method: research. Allele origin: germline. Affected: yes.

Blueprint Genetics
Classification: Likely benign. Last evaluated: 2021-06-23. Review status: criteria provided, single submitter. Criteria: ACMG Guidelines, 2015. Collection method: clinical testing. Allele origin: germline.

PreventionGenetics, part of Exact Sciences
Classification: Likely benign for USH2A-related condition. Last evaluated: 2024-08-13. Review status: no assertion criteria provided. Collection method: clinical testing. Allele origin: germline. Not counted in ClinVar's aggregate classification.
Comment: This variant is classified as likely benign based on ACMG/AMP sequence variant interpretation guidelines (Richards et al. 2015 PMID: 25741868, with internal and published modifications).

Natera, Inc.
Classification: Uncertain significance for Usher syndrome type 2A. Last evaluated: 2019-11-06. Review status: no assertion criteria provided. Collection method: clinical testing. Allele origin: germline. Not counted in ClinVar's aggregate classification.

NM_206933.4(USH2A):c.7428C>T (p.Gly2476=)

Gene: USH2A (usherin; minus strand). Cytogenetic location: 1q41.
Variant type: single nucleotide variant.
Coding change: c.7428C>T on transcript NM_206933.4 (MANE Select); coding-DNA position 7428, C replaced by T.
Protein change: p.Gly2476=; no amino-acid change (glycine 2476 retained).
Molecular consequence: synonymous variant.
Genome position (GRCh38, 1-based): chr1:215,900,778, G>A on the plus strand (C>T on the coding strand, the complement: USH2A is on the minus strand). VCF-style: chr1-215900778-G-A. GRCh37 (hg19) VCF-style: chr1-216074120-G-A.
Identifiers: ClinVar variation 780299 (VCV000780299.15), dbSNP rs150372183, ClinGen allele CA1394857.